The following is an entry in ClinVar:

NM_001003694.2(BRPF1):c.814G>A (p.Glu272Lys)

Gene: BRPF1 (bromodomain and PHD finger containing 1; plus strand). Cytogenetic location: 3p25.3.
Variant type: single nucleotide variant.
Coding change: c.814G>A on transcript NM_001003694.2 (MANE Select); coding-DNA position 814, G replaced by A.
Protein change: p.Glu272Lys; replaces glutamic acid 272 with lysine.
Molecular consequence: missense variant. On other transcripts: non-coding transcript variant (1).
Genome position (GRCh38, 1-based): chr3:9,739,213, G>A. VCF-style: chr3-9739213-G-A. GRCh37 (hg19) VCF-style: chr3-9780897-G-A.
Other names: c.814G>A, p.Glu272Lys (NM_001319049.2, NM_001319050.2, NM_001410704.1 and 7 more transcripts); short protein forms E272K.
Identifiers: ClinVar variation 4982953 (VCV004982953.1).
Genomic context (GRCh38, chr3:9,739,213, plus strand): 5'-CTGGAGAAGGAGTCGTACTTTGAGAGTCATAATAAAGGCGACCCTAATGCGCTAGTGGAC[G>A]AGGATGCTGTTTGCTGTATCTGCAATGATGGTGAGTGCCAGAACAGCAATGTCATCCTCT-3'
Protein context (NP_001003694.1, residues 262-282): NKGDPNALVD[Glu272Lys]DAVCCICNDG

ClinVar aggregate classification (germline): Uncertain significance (1 of 4 stars; one submission).

Conditions:
BRPF1-related disorder. Also called: BRPF1-related condition.

Submission:

PreventionGenetics, part of Exact Sciences
Classification: Uncertain significance for BRPF1-related condition. Last evaluated: 2024-12-23. Review status: criteria provided, single submitter. Criteria: ACMG Guidelines, 2015. Collection method: clinical testing. Allele origin: germline.
Comment: The BRPF1 c.814G>A variant is predicted to result in the amino acid substitution p.Glu272Lys. To our knowledge, this variant has not been reported in the literature or in a large population database (gnomAD), indicating this variant is rare. At this time, the clinical significance of this variant is uncertain due to the absence of conclusive functional and genetic evidence.